The following is an entry in ClinVar:

NM_015450.3(POT1):c.133T>C (p.Ser45Pro)

Gene: POT1 (protection of telomeres 1; minus strand). Cytogenetic location: 7q31.33.
Variant type: single nucleotide variant.
Coding change: c.133T>C on transcript NM_015450.3 (MANE Select); coding-DNA position 133, T replaced by C.
Protein change: p.Ser45Pro; replaces serine 45 with proline.
Molecular consequence: missense variant. On other transcripts: non-coding transcript variant (3), intron variant (1).
Genome position (GRCh38, 1-based): chr7:124,871,033, A>G on the plus strand (T>C on the coding strand, the complement: POT1 is on the minus strand). VCF-style: chr7-124871033-A-G. GRCh37 (hg19) VCF-style: chr7-124511087-A-G.
Other names: c.-138-7393T>C (NM_001042594.2); short protein forms S45P.
Identifiers: ClinVar variation 958509 (VCV000958509.8), dbSNP rs774755861, ClinGen allele CA4465493.

ClinVar aggregate classification (germline): Uncertain significance. Review status: criteria provided, multiple submitters, no conflicts (2 of 4 stars). 2 submissions from 2 submitters: Uncertain significance (2). Last evaluated 2023-03-13.

Conditions:
Tumor predisposition syndrome 3 (TPDS3). Also called: Melanoma, cutaneous malignant, susceptibility to, 10; Glioma susceptibility 9; LONG TELOMERE SYNDROME, POT1-RELATED; POT1 Tumor Predisposition. Identifiers: Orphanet 618, MedGen C4014476, MONDO:0014368, OMIM 615848.

Allele frequency attached by ClinVar (database versions not stated): ExAC 0.00001.

Submissions (2):

GeneDx
Classification: Uncertain significance. Last evaluated: 2023-03-13. Review status: criteria provided, single submitter. Criteria: GeneDx Variant Classification Process June 2021. Collection method: clinical testing. Allele origin: germline. Affected: yes.
Comment: Not observed at significant frequency in large population cohorts (gnomAD); In silico analysis supports that this missense variant has a deleterious effect on protein structure/function; Has not been previously published as pathogenic or benign to our knowledge; This variant is associated with the following publications: (PMID: 28393830)

Labcorp Genetics (formerly Invitae), Labcorp
Classification: Uncertain significance for Tumor predisposition syndrome 3. Last evaluated: 2021-09-29. Review status: criteria provided, single submitter. Criteria: Invitae Variant Classification Sherloc (09022015). Collection method: clinical testing. Allele origin: germline.
Comment: This variant has not been reported in the literature in individuals affected with POT1-related conditions. This sequence change replaces serine with proline at codon 45 of the POT1 protein (p.Ser45Pro). The serine residue is moderately conserved and there is a moderate physicochemical difference between serine and proline. This variant is present in population databases (rs774755861, ExAC 0.002%). Algorithms developed to predict the effect of missense changes on protein structure and function are either unavailable or do not agree on the potential impact of this missense change (SIFT: "Tolerated"; PolyPhen-2: "Probably Damaging"; Align-GVGD: "Class C0"). In summary, the available evidence is currently insufficient to determine the role of this variant in disease. Therefore, it has been classified as a Variant of Uncertain Significance.